The following is an entry in ClinVar:

NM_005445.4(SMC3):c.276T>C (p.Asp92=)

Gene: SMC3 (structural maintenance of chromosomes 3; plus strand). Cytogenetic location: 10q25.2.
Variant type: single nucleotide variant.
Coding change: c.276T>C on transcript NM_005445.4 (MANE Select); coding-DNA position 276, T replaced by C.
Protein change: p.Asp92=; no amino-acid change (aspartic acid 92 retained).
Molecular consequence: synonymous variant.
Genome position (GRCh38, 1-based): chr10:110,577,840, T>C. VCF-style: chr10-110577840-T-C. GRCh37 (hg19) VCF-style: chr10-112337598-T-C.
Identifiers: ClinVar variation 298763 (VCV000298763.16), dbSNP rs199936534, ClinGen allele CA5687692.

ClinVar aggregate classification (germline): Benign/Likely benign. Review status: criteria provided, multiple submitters, no conflicts (2 of 4 stars). 5 submissions from 5 submitters: Benign (1); Likely benign (4). Last evaluated 2025-04-21.

Conditions:
Cornelia de Lange syndrome 3 (CDLS3). Also called: SMC3-Related Cornelia de Lange Syndrome; CORNELIA DE LANGE SYNDROME 3 WITH OR WITHOUT MIDLINE BRAIN DEFECTS. Identifiers: Orphanet 199, MedGen C1853099, MONDO:0012555, OMIM 610759.
Inborn genetic diseases. Identifiers: MedGen C0950123, MeSH D030342.

Allele frequency attached by ClinVar (database versions not stated): TOPMed 0.00007; gnomAD exomes 0.00023 and 0.00045; ExAC 0.00037; gnomAD 0.00073.
gnomAD v4.1: 395 of 1,608,784 alleles (0.025%); highest among the groups gnomAD compares: Non-Finnish European, 0.013%; no homozygotes.

Submissions (5):

Labcorp Genetics (formerly Invitae), Labcorp
Classification: Benign for Cornelia de Lange syndrome 3. Last evaluated: 2025-04-21. Review status: criteria provided, single submitter. Criteria: Invitae Variant Classification Sherloc (09022015). Collection method: clinical testing. Allele origin: germline.

Blueprint Genetics
Classification: Likely benign. Last evaluated: 2024-06-19. Review status: criteria provided, single submitter. Criteria: ACMG Guidelines, 2015. Collection method: clinical testing. Allele origin: germline.

Eurofins Ntd Llc (ga)
Classification: Likely benign. Last evaluated: 2018-08-29. Review status: criteria provided, single submitter. Criteria: EGL ClinVar v180209 classification definitions. Collection method: clinical testing. Allele origin: germline. Observed: 1 variant allele, 1 heterozygote.

Illumina Laboratory Services, Illumina
Classification: Likely benign for Cornelia de Lange syndrome 3. Last evaluated: 2018-01-12. Review status: criteria provided, single submitter. Criteria: ICSL Variant Classification Criteria 13 December 2019. Collection method: clinical testing. Allele origin: germline.
Comment: This variant was observed in the ICSL laboratory as part of a predisposition screen in an ostensibly healthy population. It had not been previously curated by ICSL or reported in the Human Gene Mutation Database (HGMD: prior to June 1st, 2018), and was therefore a candidate for classification through an automated scoring system. Utilizing variant allele frequency, disease prevalence and penetrance estimates, and inheritance mode, an automated score was calculated to assess if this variant is too frequent to cause the disease. Based on the score and internal cut-off values, a variant classified as likely benign is not then subjected to further curation. The score for this variant resulted in a classification of likely benign for this disease.

Ambry Genetics
Classification: Likely benign for Inborn genetic diseases. Last evaluated: 2016-08-29. Review status: criteria provided, single submitter. Criteria: Ambry Variant Classification Scheme 2023. Collection method: clinical testing. Allele origin: germline.